The following is an entry in ClinVar:

ClinVar aggregate classification (germline): Pathogenic (0 of 4 stars; one submission).

Submission:

GenMed Metabolism Lab
Classification: Pathogenic. Review status: no assertion criteria provided. Collection method: not provided. Allele origin: unknown.
Comment: p.His117Leu, Late
ClinVar note: Converted during submission from pathogenic to Pathogenic.

NM_000531.6(OTC):c.350A>T (p.His117Leu)

Gene: OTC (ornithine transcarbamylase; plus strand). Cytogenetic location: Xp11.4.
Variant type: single nucleotide variant.
Coding change: c.350A>T on transcript NM_000531.6 (MANE Select); coding-DNA position 350, A replaced by T.
Protein change: p.His117Leu; replaces histidine 117 with leucine.
Molecular consequence: missense variant.
Genome position (GRCh38, 1-based): chrX:38,381,393, A>T. VCF-style: chrX-38381393-A-T. GRCh37 (hg19) VCF-style: chrX-38240646-A-T.
Other names: short protein forms H117L.
Identifiers: ClinVar variation 97172 (VCV000097172.2), dbSNP rs66539573, ClinGen allele CA224560.
Genomic context (GRCh38, chrX:38,381,393, plus strand): 5'-TTATTGTAGGCTTTGCACTTCTGGGAGGACATCCTTGTTTTCTTACCACACAAGATATTC[A>T]TTTGGGTGTGAATGAAAGTCTCACGGACACGGCCCGGTTTGTAAATATTTTCTTCTCTCC-3'
Protein context (NP_000522.3, residues 107-127): HPCFLTTQDI[His117Leu]LGVNESLTDT